The following is an entry in ClinVar:

ClinVar aggregate classification (germline): Likely benign (1 of 4 stars; one submission).

Allele frequency attached by ClinVar (database versions not stated): 1000 Genomes Project 0.00080.

Submission:

CeGaT Center for Human Genetics Tuebingen
Classification: Likely benign. Last evaluated: 2024-02-01. Review status: criteria provided, single submitter. Criteria: CeGaT Center For Human Genetics Tuebingen Variant Classification Criteria Version 2. Collection method: clinical testing. Allele origin: germline. Affected: yes. Observed: 1 variant allele.
Comment: KRTAP5-4: BP4, BP7

NM_001347674.1(KRTAP5-4):c.75C>T (p.Gly25=)

Gene: KRTAP5-4 (keratin associated protein 5-4; minus strand). Cytogenetic location: 11p15.5.
Variant type: single nucleotide variant.
Coding change: c.75C>T on transcript NM_001347674.1 (MANE Select); coding-DNA position 75, C replaced by T.
Protein change: p.Gly25=; no amino-acid change (glycine 25 retained).
Molecular consequence: synonymous variant.
Genome position (GRCh38, 1-based): chr11:1,622,019, G>A on the plus strand (C>T on the coding strand, the complement: KRTAP5-4 is on the minus strand). VCF-style: chr11-1622019-G-A. GRCh37 (hg19) VCF-style: chr11-1643249-G-A.
Other names: c.75C>T, p.Gly25= (NM_001012709.1).
Identifiers: ClinVar variation 3025087 (VCV003025087.22), dbSNP rs550575249, ClinGen allele CA216146885.